The following is an entry in ClinVar:

ClinVar aggregate classification (germline): Uncertain significance (1 of 4 stars; one submission).

Submission:

Labcorp Genetics (formerly Invitae), Labcorp
Classification: Uncertain significance. Last evaluated: 2022-10-03. Review status: criteria provided, single submitter. Criteria: Invitae Variant Classification Sherloc (09022015). Collection method: clinical testing. Allele origin: germline.
Comment: Algorithms developed to predict the effect of missense changes on protein structure and function output the following: SIFT: "Tolerated"; PolyPhen-2: "Benign"; Align-GVGD: "Class C0". The alanine amino acid residue is found in multiple mammalian species, which suggests that this missense change does not adversely affect protein function. This variant has not been reported in the literature in individuals affected with TUBGCP6-related conditions. This variant is not present in population databases (gnomAD no frequency). This sequence change replaces proline, which is neutral and non-polar, with alanine, which is neutral and non-polar, at codon 1291 of the TUBGCP6 protein (p.Pro1291Ala). In summary, the available evidence is currently insufficient to determine the role of this variant in disease. Therefore, it has been classified as a Variant of Uncertain Significance.

NM_020461.4(TUBGCP6):c.3871C>G (p.Pro1291Ala)

Gene: TUBGCP6 (tubulin gamma complex component 6; minus strand). Cytogenetic location: 22q13.33.
Variant type: single nucleotide variant.
Coding change: c.3871C>G on transcript NM_020461.4 (MANE Select); coding-DNA position 3871, C replaced by G.
Protein change: p.Pro1291Ala; replaces proline 1291 with alanine.
Molecular consequence: missense variant.
Genome position (GRCh38, 1-based): chr22:50,220,488, G>C on the plus strand (C>G on the coding strand, the complement: TUBGCP6 is on the minus strand). VCF-style: chr22-50220488-G-C. GRCh37 (hg19) VCF-style: chr22-50658917-G-C.
Other names: short protein forms P1291A.
Identifiers: ClinVar variation 1720924 (VCV001720924.5), dbSNP rs2519132694, ClinGen allele CA412178071.